The following is an entry in ClinVar:

ClinVar aggregate classification (germline): Likely benign (0 of 4 stars; one submission).

Conditions:
PLXNA4-related disorder. Also called: PLXNA4-related condition.

Allele frequency attached by ClinVar (database versions not stated): gnomAD exomes 0.00002; ExAC 0.00006; ESP Exome Variant Server 0.00015; gnomAD 0.00017; TOPMed 0.00019.
gnomAD v4.1: 51 of 1,614,056 alleles (0.0032%); highest among the groups gnomAD compares: African/African-American, 0.064%; no homozygotes.

Submission:

PreventionGenetics, part of Exact Sciences
Classification: Likely benign for PLXNA4-related condition. Last evaluated: 2021-08-11. Review status: no assertion criteria provided. Collection method: clinical testing. Allele origin: germline.
Comment: This variant is classified as likely benign based on ACMG/AMP sequence variant interpretation guidelines (Richards et al. 2015 PMID: 25741868, with internal and published modifications).

NM_020911.2(PLXNA4):c.4737G>A (p.Lys1579=)

Gene: PLXNA4 (plexin A4; minus strand). Cytogenetic location: 7q32.3.
Variant type: single nucleotide variant.
Coding change: c.4737G>A on transcript NM_020911.2 (MANE Select); coding-DNA position 4737, G replaced by A.
Protein change: p.Lys1579=; no amino-acid change (lysine 1579 retained).
Molecular consequence: synonymous variant.
Genome position (GRCh38, 1-based): chr7:132,148,570, C>T on the plus strand (G>A on the coding strand, the complement: PLXNA4 is on the minus strand). VCF-style: chr7-132148570-C-T. GRCh37 (hg19) VCF-style: chr7-131833329-C-T.
Other names: c.4737G>A, p.Lys1579= (NM_001393897.1).
Identifiers: ClinVar variation 3061699 (VCV003061699.2), dbSNP rs369716462, ClinGen allele CA4489109.
Genomic context (GRCh38, chr7:132,148,570, plus strand): 5'-GGCTAGCTCCTCCCCTTTCCACATTCCCCTCACCTGGTAGTGGGCCAGTGTGTTCAGTCG[C>T]TTCCAATCATTCTCAATCTTGGTGGTGATGTCTTCATCCTGCAAGATCATCCTTGCCCCA-3'
Protein context (NP_065962.1, residues 1569-1589): DITTKIENDW[Lys1579=]RLNTLAHYQV